The following is an entry in ClinVar:

NM_181523.3(PIK3R1):c.1358_1360dup (p.Asn453_Thr454insAsn)

Gene: PIK3R1 (phosphoinositide-3-kinase regulatory subunit 1; plus strand). Cytogenetic location: 5q13.1.
Variant type: Duplication.
Coding change: c.1358_1360dup on transcript NM_181523.3 (MANE Select); coding-DNA positions 1358 to 1360, 3 bases duplicated (ACA; older notation c.1358_1360dupACA).
Protein change: p.Asn453_Thr454insAsn.
Genome position (GRCh38, 1-based): chr5:68,293,767-68,293,769, ACA duplicated; duplicating any 3 consecutive bases within chr5:68,293,766-68,293,769 gives the same sequence; the c. name uses the placement nearest the transcript's 3' end. VCF-style (leftmost placement, unchanged base first): chr5-68293765-T-TAAC. GRCh37 (hg19) VCF-style: chr5-67589593-T-TAAC.
Other names: c.269_271dup, p.Asn90_Thr91insAsn (NM_001242466.2); c.548_550dup, p.Asn183_Thr184insAsn (NM_181504.4); c.458_460dup, p.Asn153_Thr154insAsn (NM_181524.2).
Identifiers: ClinVar variation 3238634 (VCV003238634.1), dbSNP rs2531001936.
Genomic context (GRCh38, chr5:68,293,765, plus strand): 5'-CTAGGATCAAGTTGTCAAAGAAGATAATATTGAAGCTGTAGGGAAAAAATTACATGAATA[T>TAAC]AACACTCAGTTTCAAGAAAAAAGTCGAGAATATGATAGATTATATGAAGAATATACCCGC-3'

ClinVar aggregate classification (germline): Likely pathogenic (1 of 4 stars; one submission).

Conditions:
Vascular malformation. Also called: Vascular malformations. Identifiers: MedGen C0158570, MONDO:0024291.

Submission:

Clinical Genomics Laboratory, Washington University in St. Louis
Classification: Likely pathogenic for Vascular malformation. Last evaluated: 2024-02-20. Review status: criteria provided, single submitter. Criteria: ACMG Guidelines, 2015. Collection method: clinical testing. Allele origin: somatic. Affected: yes.
Comment: A PIK3R1 c.1358_1360dup (p.Asn453dup) variant was identified at an allelic fraction consistent with somatic origin. This variant is absent from the general population (gnomAD v4.0.0), indicating it is not a common variant. This variant resides within the iSH2 domain of PIK3R1 which is enriched for pathogenic variation (Cottrell CE et al., PMID: 34040190). This variant is predicted to cause a change in the length of the protein due to an in-frame duplication of 1 amino acid in a non-repeat region. Based on an internally-developed protocol informed by the ACMG/AMP guidelines (Richards S et al., PMID: 25741868) and gene-specific practices from the ClinGen Criteria Specification Registry, the PIK3R1 c.1358_1360dup (p.Asn453dup) variant is classified as likely pathogenic.